The following is an entry in ClinVar:

ClinVar aggregate classification (germline): Uncertain significance. Review status: criteria provided, multiple submitters, no conflicts (2 of 4 stars). 4 submissions from 4 submitters: Uncertain significance (4). Last evaluated 2026-01-16.

Conditions:
Peutz-Jeghers syndrome (PJS). Also called: POLYPOSIS, HAMARTOMATOUS INTESTINAL; POLYPS-AND-SPOTS SYNDROME; Peutz-Jeghers polyposis; Periorificial lentiginosis syndrome. Identifiers: Orphanet 2869, MedGen C0031269, MeSH D010580, MONDO:0008280, OMIM 175200.
Hereditary cancer-predisposing syndrome. Also called: Hereditary Cancer Syndrome; Hereditary neoplastic syndrome; Tumor predisposition; Neoplastic Syndromes, Hereditary. Identifiers: Orphanet 140162, MedGen C0027672, MeSH D009386, MONDO:0015356.

Allele frequency attached by ClinVar (database versions not stated): gnomAD exomes below 0.00001; TOPMed below 0.00001.
gnomAD v4.1: 4 of 1,494,688 alleles (0.00027%); highest among the groups gnomAD compares: Non-Finnish European, 0.00036%; no homozygotes.

Submissions (4):

Labcorp Genetics (formerly Invitae), Labcorp
Classification: Uncertain significance for Peutz-Jeghers syndrome. Last evaluated: 2026-01-16. Review status: criteria provided, single submitter. Criteria: Invitae Variant Classification Sherloc (09022015). Collection method: clinical testing. Allele origin: germline.
Comment: This sequence change replaces lysine, which is basic and polar, with arginine, which is basic and polar, at codon 146 of the STK11 protein (p.Lys146Arg). This variant is not present in population databases (gnomAD no frequency). This variant has not been reported in the literature in individuals affected with STK11-related conditions. ClinVar contains an entry for this variant (Variation ID: 458044). Invitae Evidence Modeling of protein sequence and biophysical properties (such as structural, functional, and spatial information, amino acid conservation, physicochemical variation, residue mobility, and thermodynamic stability) indicates that this missense variant is not expected to disrupt STK11 protein function with a negative predictive value of 95%. In summary, the available evidence is currently insufficient to determine the role of this variant in disease. Therefore, it has been classified as a Variant of Uncertain Significance.

Ambry Genetics
Classification: Uncertain significance for Hereditary cancer-predisposing syndrome. Last evaluated: 2025-04-05. Review status: criteria provided, single submitter. Criteria: Ambry Variant Classification Scheme 2023. Collection method: clinical testing. Allele origin: germline.
Comment: The p.K146R variant (also known as c.437A>G), located in coding exon 3 of the STK11 gene, results from an A to G substitution at nucleotide position 437. The lysine at codon 146 is replaced by arginine, an amino acid with highly similar properties. This amino acid position is well conserved in available vertebrate species. In addition, this alteration is predicted to be tolerated by in silico analysis. Since supporting evidence is limited at this time, the clinical significance of this alteration remains unclear.

Color Diagnostics, LLC DBA Color Health
Classification: Uncertain significance for Hereditary cancer-predisposing syndrome. Last evaluated: 2023-10-11. Review status: criteria provided, single submitter. Criteria: ACMG Guidelines, 2015. Collection method: clinical testing. Allele origin: germline.
Comment: This missense variant replaces lysine with arginine at codon 146 of the STK11 protein. Computational prediction suggests that this variant may not impact protein structure and function. To our knowledge, functional studies have not been reported for this variant. This variant has not been reported in individuals affected with STK11-related disorders in the literature. This variant has not been identified in the general population by the Genome Aggregation Database (gnomAD). The available evidence is insufficient to determine the role of this variant in disease conclusively. Therefore, this variant is classified as a Variant of Uncertain Significance.

Genome-Nilou Lab
Classification: Uncertain significance for Peutz-Jeghers syndrome. Last evaluated: 2021-07-15. Review status: criteria provided, single submitter. Criteria: ACMG Guidelines, 2015. Collection method: clinical testing. Allele origin: germline. Affected: no.

NM_000455.5(STK11):c.437A>G (p.Lys146Arg)

Gene: STK11 (serine/threonine kinase 11; plus strand). Cytogenetic location: 19p13.3.
Variant type: single nucleotide variant.
Coding change: c.437A>G on transcript NM_000455.5 (MANE Select); coding-DNA position 437, A replaced by G.
Protein change: p.Lys146Arg; replaces lysine 146 with arginine.
Molecular consequence: missense variant.
Genome position (GRCh38, 1-based): chr19:1,219,386, A>G. VCF-style: chr19-1219386-A-G. GRCh37 (hg19) VCF-style: chr19-1219385-A-G.
Other names: short protein forms K146R.
Identifiers: ClinVar variation 458044 (VCV000458044.17), dbSNP rs1555737812, ClinGen allele CA402948314.